The following is an entry in ClinVar:

ClinVar aggregate classification (germline): Uncertain significance (1 of 4 stars; one submission).

Submission:

Labcorp Genetics (formerly Invitae), Labcorp
Classification: Uncertain significance. Last evaluated: 2022-07-12. Review status: criteria provided, single submitter. Criteria: Invitae Variant Classification Sherloc (09022015). Collection method: clinical testing. Allele origin: germline.
Comment: In summary, the available evidence is currently insufficient to determine the role of this variant in disease. Therefore, it has been classified as a Variant of Uncertain Significance. Algorithms developed to predict the effect of missense changes on protein structure and function are either unavailable or do not agree on the potential impact of this missense change (SIFT: "Deleterious"; PolyPhen-2: "Possibly Damaging"; Align-GVGD: "Class C0"). ClinVar contains an entry for this variant (Variation ID: 1478675). This variant has not been reported in the literature in individuals affected with SAMD11-related conditions. This variant is not present in population databases (gnomAD no frequency). This sequence change replaces serine, which is neutral and polar, with phenylalanine, which is neutral and non-polar, at codon 677 of the SAMD11 protein (p.Ser677Phe).

NM_001385641.1(SAMD11):c.2519C>T (p.Ser840Phe)

Gene: SAMD11 (sterile alpha motif domain containing 11; plus strand). Cytogenetic location: 1p36.33.
Variant type: single nucleotide variant.
Coding change: c.2519C>T on transcript NM_001385641.1 (MANE Select); coding-DNA position 2519, C replaced by T.
Protein change: p.Ser840Phe; replaces serine 840 with phenylalanine.
Molecular consequence: missense variant.
Genome position (GRCh38, 1-based): chr1:944,137, C>T. VCF-style: chr1-944137-C-T. GRCh37 (hg19) VCF-style: chr1-879517-C-T.
Other names: c.2522C>T, p.Ser841Phe (NM_001385640.1); c.2030C>T, p.Ser677Phe (NM_152486.4); short protein forms S677F, S840F, S841F.
Identifiers: ClinVar variation 1478675 (VCV001478675.8), dbSNP rs2100369006, ClinGen allele CA337821054.